The following is an entry in ClinVar:

NM_000049.4(ASPA):c.519T>G (p.Tyr173Ter)

Genes: SPATA22 (spermatogenesis associated 22; minus strand), ASPA (aspartoacylase; plus strand). Cytogenetic location: 17p13.2.
Variant type: single nucleotide variant.
Coding change: c.519T>G on transcript NM_000049.4 (MANE Select); coding-DNA position 519, T replaced by G.
Protein change: p.Tyr173Ter; replaces tyrosine 173 with a stop codon.
Molecular consequence: nonsense. On other transcripts: intron variant (2).
Genome position (GRCh38, 1-based): chr17:3,483,585, T>G. VCF-style: chr17-3483585-T-G. GRCh37 (hg19) VCF-style: chr17-3386879-T-G.
Other names: c.519T>G, p.Tyr173Ter (NM_001128085.1); c.-73-14187A>C (NM_001321336.2, NM_001321337.2); short protein forms Y173*.
Identifiers: ClinVar variation 5014054 (VCV005014054.1).
Genomic context (GRCh38, chr17:3,483,585, plus strand): 5'-CGTTTATCTGATTGAGCATCCTTCCCTCAAATATGCGACCACTCGTTCCATAGCCAAGTA[T>G]CCTGTGGGTAAGTCATAGTTCCCACTGTCATAACTCAATAAAATATGTCCTAGCTGAAAC-3'

ClinVar aggregate classification (germline): Pathogenic (1 of 4 stars; one submission).

Conditions:
Spongy degeneration of central nervous system. Also called: ACY2 DEFICIENCY; AMINOACYLASE 2 DEFICIENCY; ASP DEFICIENCY; ASPA DEFICIENCY; ASPARTOACYLASE DEFICIENCY; CANAVAN-VAN BOGAERT-BERTRAND DISEASE. Identifiers: Orphanet 141, MedGen C0206307, MONDO:0010079, OMIM 271900.

gnomAD v4.1: 1 of 1,612,322 alleles (0.000062%); highest among the groups gnomAD compares: South Asian, 0.0011%; no homozygotes.

Submission:

Myriad Genetics, Inc.
Classification: Pathogenic for Spongy degeneration of central nervous system. Last evaluated: 2025-02-04. Review status: criteria provided, single submitter. Criteria: Myriad Autosomal Dominant, Autosomal Recessive and X-Linked Classification Criteria (2023). Collection method: clinical testing. Allele origin: unknown.
Comment: NM_000049.2(ASPA):c.519T>G(Y173*) is expected to be pathogenic in the context of Canavan disease. This variant is predicted to lead to an abnormal or absent protein product due to the creation of a premature termination codon in ASPA, a gene where loss-of-function variants are known to be pathogenic. Please note: this variant was assessed in the context of healthy population screening.